The following is an entry in ClinVar:

NM_152730.6(TBC1D32):c.1373-8T>C

Gene: TBC1D32 (TBC1 domain family member 32; minus strand). Cytogenetic location: 6q22.31.
Variant type: single nucleotide variant.
Coding change: c.1373-8T>C on transcript NM_152730.6 (MANE Select); 8 bases into the intron before coding-DNA position 1373, T replaced by C.
Molecular consequence: intron variant.
Genome position (GRCh38, 1-based): chr6:121,283,918, A>G on the plus strand (T>C on the coding strand, the complement: TBC1D32 is on the minus strand). VCF-style: chr6-121283918-A-G. GRCh37 (hg19) VCF-style: chr6-121605064-A-G.
Other names: c.1373-8T>C (NM_001367759.1, NM_001367760.1).
Identifiers: ClinVar variation 3898247 (VCV003898247.7).

ClinVar aggregate classification (germline): Likely benign (1 of 4 stars; one submission).

gnomAD v4.1: 695 of 1,544,620 alleles (0.045%); highest among the groups gnomAD compares: Non-Finnish European, 0.0068%; no homozygotes.

Submission:

CeGaT Center for Human Genetics Tuebingen
Classification: Likely benign. Last evaluated: 2025-04-01. Review status: criteria provided, single submitter. Criteria: CeGaT Center For Human Genetics Tuebingen Variant Classification Criteria Version 2. Collection method: clinical testing. Allele origin: germline. Affected: yes. Observed: 1 variant allele.
Comment: TBC1D32: BP4